The following is an entry in ClinVar:

ClinVar aggregate classification (germline): Likely benign. Review status: criteria provided, multiple submitters, no conflicts (2 of 4 stars). 3 submissions from 3 submitters: Likely benign (3). Last evaluated 2025-12-08.

Conditions:
Hereditary nonpolyposis colorectal neoplasms. Identifiers: MedGen C0009405, MeSH D003123.
Hereditary cancer-predisposing syndrome. Also called: Hereditary Cancer Syndrome; Tumor predisposition; Hereditary neoplastic syndrome; Neoplastic Syndromes, Hereditary. Identifiers: Orphanet 140162, MedGen C0027672, MeSH D009386, MONDO:0015356.
Lynch syndrome 4 (LYNCH4). Also called: Hereditary non-polyposis colorectal cancer, type 4; Colorectal cancer, hereditary nonpolyposis, type 4. Identifiers: Orphanet 144, MedGen C1838333, MONDO:0013699, OMIM 614337. Disease mechanism: loss of function.

Submissions (3):

Labcorp Genetics (formerly Invitae), Labcorp
Classification: Likely benign for Hereditary nonpolyposis colorectal neoplasms. Last evaluated: 2025-12-08. Review status: criteria provided, single submitter. Criteria: Invitae Variant Classification Sherloc (09022015). Collection method: clinical testing. Allele origin: germline.

Color Diagnostics, LLC DBA Color Health
Classification: Likely benign for Hereditary cancer-predisposing syndrome. Last evaluated: 2025-08-30. Review status: criteria provided, single submitter. Criteria: ACMG Guidelines, 2015. Collection method: clinical testing. Allele origin: germline.

Myriad Genetics, Inc.
Classification: Likely benign for Lynch syndrome 4. Last evaluated: 2025-01-24. Review status: criteria provided, single submitter. Criteria: Myriad Autosomal Dominant, Autosomal Recessive and X-Linked Classification Criteria (2023). Collection method: clinical testing. Allele origin: unknown.
Comment: This variant is considered likely benign. This variant is intronic and is not expected to impact mRNA splicing.

NM_000535.7(PMS2):c.251-15T>C

Gene: PMS2 (PMS1 homolog 2, mismatch repair system component; minus strand). Cytogenetic location: 7p22.1.
Variant type: single nucleotide variant.
Coding change: c.251-15T>C on transcript NM_000535.7 (MANE Select); 15 bases into the intron before coding-DNA position 251, T replaced by C.
Molecular consequence: intron variant. On other transcripts: missense variant (1).
Genome position (GRCh38, 1-based): chr7:6,003,807, A>G on the plus strand (T>C on the coding strand, the complement: PMS2 is on the minus strand). VCF-style: chr7-6003807-A-G. GRCh37 (hg19) VCF-style: chr7-6043438-A-G.
Other names: c.260T>C, p.Leu87Ser (NM_001406868.1); c.35+165T>C (NM_001322008.2, NM_001322007.2); c.-155-15T>C (NM_001322010.2, NM_001322004.2, NM_001322013.2 and 3 more transcripts); c.-634-15T>C (NM_001322012.2, NM_001322011.2); c.-234-15T>C (NM_001322015.2); c.251-15T>C (NM_001322006.2, NM_001322014.2); short protein forms L87S.
Identifiers: ClinVar variation 2188113 (VCV002188113.5), dbSNP rs2128827945, ClinGen allele CA2578823873.